The following is an entry in ClinVar:

NM_004859.4(CLTC):c.2792T>C (p.Ile931Thr)

Gene: CLTC (clathrin heavy chain; plus strand). Cytogenetic location: 17q23.1.
Variant type: single nucleotide variant.
Coding change: c.2792T>C on transcript NM_004859.4 (MANE Select); coding-DNA position 2792, T replaced by C.
Protein change: p.Ile931Thr; replaces isoleucine 931 with threonine.
Molecular consequence: missense variant.
Genome position (GRCh38, 1-based): chr17:59,677,184, T>C. VCF-style: chr17-59677184-T-C. GRCh37 (hg19) VCF-style: chr17-57754545-T-C.
Other names: c.2792T>C (NM_004859.3); c.2804T>C, p.Ile935Thr (NM_001288653.2); short protein forms I931T, I935T.
Identifiers: ClinVar variation 2110837 (VCV002110837.5), dbSNP rs749634959, ClinGen allele CA8681455.

ClinVar aggregate classification (germline): Uncertain significance. Review status: criteria provided, multiple submitters, no conflicts (2 of 4 stars). 2 submissions from 2 submitters: Uncertain significance (2). Last evaluated 2025-12-24.

Conditions:
Inborn genetic diseases. Identifiers: MedGen C0950123, MeSH D030342.

Allele frequency attached by ClinVar (database versions not stated): gnomAD exomes below 0.00001; TOPMed below 0.00001; gnomAD 0.00001; ExAC 0.00002.
gnomAD v4.1: 5 of 1,607,948 alleles (0.00031%); highest among the groups gnomAD compares: East Asian, 0.0022%; no homozygotes.

Submissions (2):

Ambry Genetics
Classification: Uncertain significance for Inborn genetic diseases. Last evaluated: 2025-12-24. Review status: criteria provided, single submitter. Criteria: Ambry Variant Classification Scheme 2023. Collection method: clinical testing. Allele origin: germline.
Comment: The c.2792T>C (p.I931T) alteration is located in exon 17 (coding exon 17) of the CLTC gene. This alteration results from a T to C substitution at nucleotide position 2792, causing the isoleucine (I) at amino acid position 931 to be replaced by a threonine (T). Based on data from gnomAD, the C allele has an overall frequency of 0.001% (2/250852) total alleles studied. The highest observed frequency was 0.002% (2/113448) of European (non-Finnish) alleles. Based on insufficient or conflicting evidence, the clinical significance of this alteration remains unclear.

Labcorp Genetics (formerly Invitae), Labcorp
Classification: Uncertain significance. Last evaluated: 2024-08-13. Review status: criteria provided, single submitter. Criteria: Invitae Variant Classification Sherloc (09022015). Collection method: clinical testing. Allele origin: germline.
Comment: This sequence change replaces isoleucine, which is neutral and non-polar, with threonine, which is neutral and polar, at codon 935 of the CLTC protein (p.Ile935Thr). This variant is present in population databases (rs749634959, gnomAD 0.002%). This variant has not been reported in the literature in individuals affected with CLTC-related conditions. ClinVar contains an entry for this variant (Variation ID: 2110837). Advanced modeling of protein sequence and biophysical properties (such as structural, functional, and spatial information, amino acid conservation, physicochemical variation, residue mobility, and thermodynamic stability) performed at Invitae indicates that this missense variant is expected to disrupt CLTC protein function with a positive predictive value of 80%. In summary, the available evidence is currently insufficient to determine the role of this variant in disease. Therefore, it has been classified as a Variant of Uncertain Significance.